The following is an entry in ClinVar:

NM_001999.4(FBN2):c.3980A>G (p.Asn1327Ser)

Gene: FBN2 (fibrillin 2; minus strand). Cytogenetic location: 5q23.3.
Variant type: single nucleotide variant.
Coding change: c.3980A>G on transcript NM_001999.4 (MANE Select); coding-DNA position 3980, A replaced by G.
Protein change: p.Asn1327Ser; replaces asparagine 1327 with serine.
Molecular consequence: missense variant.
Genome position (GRCh38, 1-based): chr5:128,334,838, T>C on the plus strand (A>G on the coding strand, the complement: FBN2 is on the minus strand). VCF-style: chr5-128334838-T-C. GRCh37 (hg19) VCF-style: chr5-127670530-T-C.
Other names: short protein forms N1327S.
Identifiers: ClinVar variation 350773 (VCV000350773.17), dbSNP rs762567430, ClinGen allele CA3395077.

ClinVar aggregate classification (germline): Conflicting classifications of pathogenicity. Review status: criteria provided, conflicting classifications (1 of 4 stars). 3 submissions from 3 submitters: Uncertain significance (2); Likely benign (1). Last evaluated 2026-01-26.

Conditions:
Congenital contractural arachnodactyly (CCA). Also called: BEALS SYNDROME; Beals-Hecht syndrome; Arthrogryposis, distal, type 9. Identifiers: Orphanet 115, MedGen C0220668, MONDO:0007363, OMIM 121050.
Familial thoracic aortic aneurysm and aortic dissection (TAAD). Also called: Thoracic aortic aneurysms and dissections. Identifiers: Orphanet 91387, MedGen C4707243, MONDO:0019625.

Allele frequency attached by ClinVar (database versions not stated): ExAC 0.00001; gnomAD exomes 0.00001 and 0.00002; TOPMed 0.00002; gnomAD 0.00003.
gnomAD v4.1: 34 of 1,611,838 alleles (0.0021%); highest among the groups gnomAD compares: Non-Finnish European, 0.0026%; no homozygotes.

Submissions (4):

Labcorp Genetics (formerly Invitae), Labcorp
Classification: Likely benign for Congenital contractural arachnodactyly. Last evaluated: 2026-01-26. Review status: criteria provided, single submitter. Criteria: Invitae Variant Classification Sherloc (09022015). Collection method: clinical testing. Allele origin: germline.

Ambry Genetics
Classification: Uncertain significance for Familial thoracic aortic aneurysm and aortic dissection. Last evaluated: 2025-04-14. Review status: criteria provided, single submitter. Criteria: Ambry Variant Classification Scheme 2023. Collection method: clinical testing. Allele origin: germline.
Comment: The p.N1327S variant (also known as c.3980A>G), located in coding exon 31 of the FBN2 gene, results from an A to G substitution at nucleotide position 3980. The asparagine at codon 1327 is replaced by serine, an amino acid with highly similar properties. This amino acid position is well conserved in available vertebrate species. In addition, the in silico prediction for this alteration is inconclusive. Based on the available evidence, the clinical significance of this variant remains unclear.

Illumina Laboratory Services, Illumina
Classification: Uncertain significance for Congenital contractural arachnodactyly. Last evaluated: 2018-01-13. Review status: criteria provided, single submitter. Criteria: ICSL Variant Classification Criteria 13 December 2019. Collection method: clinical testing. Allele origin: germline.

Dr. Peter K. Rogan Lab, Western University
No classification provided (evidence only). Condition: Malignant tumor of esophagus. Review status: no classification provided. Collection method: in vitro. Allele origin: not applicable. Functional consequence: retained intron. Not counted in ClinVar's aggregate classification.